The following is an entry in ClinVar:

NM_006904.7(PRKDC):c.1743T>C (p.Leu581=)

Gene: PRKDC (protein kinase, DNA-activated, catalytic subunit; minus strand). Cytogenetic location: 8q11.21.
Variant type: single nucleotide variant.
Coding change: c.1743T>C on transcript NM_006904.7 (MANE Select); coding-DNA position 1743, T replaced by C.
Protein change: p.Leu581=; no amino-acid change (leucine 581 retained).
Molecular consequence: synonymous variant.
Genome position (GRCh38, 1-based): chr8:47,933,053, A>G on the plus strand (T>C on the coding strand, the complement: PRKDC is on the minus strand). VCF-style: chr8-47933053-A-G. GRCh37 (hg19) VCF-style: chr8-48845613-A-G.
Other names: c.1743T>C, p.Leu581= (NM_001081640.2).
Identifiers: ClinVar variation 710334 (VCV000710334.37), dbSNP rs55842323, ClinGen allele CA4741651.

ClinVar aggregate classification (germline): Likely benign. Review status: criteria provided, multiple submitters, no conflicts (2 of 4 stars). 4 submissions from 4 submitters: Likely benign (4). Last evaluated 2026-01-28.

Conditions:
Severe combined immunodeficiency due to DNA-PKcs deficiency. Also called: IMMUNODEFICIENCY 26 WITH NEUROLOGIC ABNORMALITIES; Immunodeficiency 26 with or without neurologic abnormalities. Identifiers: Orphanet 317425, MedGen C4014833, MONDO:0014423, OMIM 615966.

Allele frequency attached by ClinVar (database versions not stated): 1000 Genomes Project 30x 0.00016; 1000 Genomes Project 0.00020; gnomAD 0.00024 and 0.00025; gnomAD exomes 0.00027 and 0.00042; TOPMed 0.00028; ESP Exome Variant Server 0.00043; ExAC 0.00052.

Submissions (4):

Labcorp Genetics (formerly Invitae), Labcorp
Classification: Likely benign for Severe combined immunodeficiency due to DNA-PKcs deficiency. Last evaluated: 2026-01-28. Review status: criteria provided, single submitter. Criteria: Invitae Variant Classification Sherloc (09022015). Collection method: clinical testing. Allele origin: germline.

Blueprint Genetics
Classification: Likely benign. Last evaluated: 2024-09-12. Review status: criteria provided, single submitter. Criteria: ACMG Guidelines, 2015. Collection method: clinical testing. Allele origin: germline.

CeGaT Center for Human Genetics Tuebingen
Classification: Likely benign. Last evaluated: 2023-03-01. Review status: criteria provided, single submitter. Criteria: CeGaT Center For Human Genetics Tuebingen Variant Classification Criteria Version 2. Collection method: clinical testing. Allele origin: germline. Affected: yes. Observed: 2 variant alleles.
Comment: PRKDC: BP4, BP7

Ambry Genetics
Classification: Likely benign. Last evaluated: 2022-02-14. Review status: criteria provided, single submitter. Criteria: Ambry Variant Classification Scheme 2023. Collection method: clinical testing. Allele origin: germline.